The following is an entry in ClinVar:

NM_002519.3(NPAT):c.1874T>C (p.Leu625Pro)

Gene: NPAT (nuclear protein, coactivator of histone transcription; minus strand). Cytogenetic location: 11q22.3.
Variant type: single nucleotide variant.
Coding change: c.1874T>C on transcript NM_002519.3 (MANE Select); coding-DNA position 1874, T replaced by C.
Protein change: p.Leu625Pro; replaces leucine 625 with proline.
Molecular consequence: missense variant.
Genome position (GRCh38, 1-based): chr11:108,173,110, A>G on the plus strand (T>C on the coding strand, the complement: NPAT is on the minus strand). VCF-style: chr11-108173110-A-G. GRCh37 (hg19) VCF-style: chr11-108043837-A-G.
Other names: c.1874T>C, p.Leu625Pro (NM_001321307.1); short protein forms L625P.
Identifiers: ClinVar variation 3300626 (VCV003300626.1).
Genomic context (GRCh38, chr11:108,173,110, plus strand): 5'-TTTAACTCAACAGATGCTGAATCATTAGATGGTTGTTTAGTAGAAGACAGCGAATCTCCA[A>G]GATGAATTTCTACTTGTCCAGATACATTTAAATGTGAACTTTCAACAGACACAGGTAGTA-3'
Protein context (NP_002510.2, residues 615-635): LNVSGQVEIH[Leu625Pro]GDSLSSTKQP

ClinVar aggregate classification (germline): Uncertain significance (1 of 4 stars; one submission).

gnomAD v4.1: 18 of 1,614,094 alleles (0.0011%); highest among the groups gnomAD compares: Non-Finnish European, 0.0014%; no homozygotes.

Submission:

Ambry Genetics
Classification: Uncertain significance. Last evaluated: 2024-05-04. Review status: criteria provided, single submitter. Criteria: Ambry Variant Classification Scheme 2023. Collection method: clinical testing. Allele origin: germline.
Comment: The p.L625P variant (also known as c.1874T>C), located in coding exon 13 of the NPAT gene, results from a T to C substitution at nucleotide position 1874. The leucine at codon 625 is replaced by proline, an amino acid with similar properties. This amino acid position is conserved. In addition, this alteration is predicted to be tolerated by in silico analysis. Based on the available evidence, the clinical significance of this variant remains unclear.